The following is an entry in ClinVar:

ClinVar aggregate classification (germline): Likely benign. Review status: criteria provided, multiple submitters, no conflicts (2 of 4 stars). 2 submissions from 2 submitters: Likely benign (2). Last evaluated 2024-03-25.

Allele frequency attached by ClinVar (database versions not stated): ExAC 0.00004; gnomAD 0.00004; gnomAD exomes 0.00005; TOPMed 0.00005; ESP Exome Variant Server 0.00008.
gnomAD v4.1: 181 of 1,613,646 alleles (0.011%); highest among the groups gnomAD compares: East Asian, 0.029%; no homozygotes.

Submissions (2):

Labcorp Genetics (formerly Invitae), Labcorp
Classification: Likely benign. Last evaluated: 2024-03-25. Review status: criteria provided, single submitter. Criteria: Invitae Variant Classification Sherloc (09022015). Collection method: clinical testing. Allele origin: germline.

Laboratory for Molecular Medicine, Mass General Brigham Personalized Medicine
Classification: Likely benign. Last evaluated: 2016-06-30. Review status: criteria provided, single submitter. Criteria: LMM Criteria. Collection method: clinical testing. Allele origin: germline. Observed: 1 variant allele.
Comment: p.Ser1395Ser in exon 34 of OTOF: This variant is not expected to have clinical s ignificance because it does not alter an amino acid residue, is not located with in the splice consensus sequence, and has been identified in 5/121254 of the tot al chromosomes by the Exome Aggregation Consortium (ExAC; dbSNP rs148819838).

NM_194248.3(OTOF):c.4185C>T (p.Ser1395=)

Gene: OTOF (otoferlin; minus strand). Cytogenetic location: 2p23.3.
Variant type: single nucleotide variant.
Coding change: c.4185C>T on transcript NM_194248.3 (MANE Select); coding-DNA position 4185, C replaced by T.
Protein change: p.Ser1395=; no amino-acid change (serine 1395 retained).
Molecular consequence: synonymous variant.
Genome position (GRCh38, 1-based): chr2:26,467,407, G>A on the plus strand (C>T on the coding strand, the complement: OTOF is on the minus strand). VCF-style: chr2-26467407-G-A. GRCh37 (hg19) VCF-style: chr2-26690275-G-A.
Other names: c.4185C>T, p.Ser1395= (NM_001287489.2); c.1884C>T, p.Ser628= (NM_004802.4, NM_194323.3); c.2115C>T, p.Ser705= (NM_194322.3).
Identifiers: ClinVar variation 504657 (VCV000504657.8), dbSNP rs148819838, ClinGen allele CA1563264.